The following is an entry in ClinVar:

NM_000271.5(NPC1):c.743G>A (p.Gly248Asp)

Gene: NPC1 (NPC intracellular cholesterol transporter 1; minus strand). Cytogenetic location: 18q11.2.
Variant type: single nucleotide variant.
Coding change: c.743G>A on transcript NM_000271.5 (MANE Select); coding-DNA position 743, G replaced by A.
Protein change: p.Gly248Asp; replaces glycine 248 with aspartic acid.
Molecular consequence: missense variant.
Genome position (GRCh38, 1-based): chr18:23,560,369, C>T on the plus strand (G>A on the coding strand, the complement: NPC1 is on the minus strand). VCF-style: chr18-23560369-C-T. GRCh37 (hg19) VCF-style: chr18-21140333-C-T.
Other names: short protein forms G248D.
Identifiers: ClinVar variation 1978099 (VCV001978099.2), dbSNP rs1230538609, ClinGen allele CA401781219.

ClinVar aggregate classification (germline): Uncertain significance (1 of 4 stars; one submission).

Conditions:
Niemann-Pick disease, type C1. Also called: NIEMANN-PICK DISEASE, VARIANT TYPE C1; NEUROVISCERAL STORAGE DISEASE WITH VERTICAL SUPRANUCLEAR OPHTHALMOPLEGIA; NIEMANN-PICK DISEASE WITH CHOLESTEROL ESTERIFICATION BLOCK; NIEMANN-PICK DISEASE WITHOUT SPHINGOMYELINASE DEFICIENCY; NIEMANN-PICK DISEASE, CHRONIC NEURONOPATHIC FORM. Identifiers: Orphanet 646, MedGen C3179455, MONDO:0009757, OMIM 257220.

gnomAD v4.1: 2 of 1,614,170 alleles (0.00012%); highest among the groups gnomAD compares: African/African-American, 0.0027%; no homozygotes.

Submission:

Labcorp Genetics (formerly Invitae), Labcorp
Classification: Uncertain significance for Niemann-Pick disease, type C1. Last evaluated: 2021-08-31. Review status: criteria provided, single submitter. Criteria: Invitae Variant Classification Sherloc (09022015). Collection method: clinical testing. Allele origin: germline.
Comment: This sequence change replaces glycine with aspartic acid at codon 248 of the NPC1 protein (p.Gly248Asp). The glycine residue is moderately conserved and there is a moderate physicochemical difference between glycine and aspartic acid. This variant is not present in population databases (ExAC no frequency). This missense change has been observed in individual(s) with Niemann-Pick disease type C (external communication). Algorithms developed to predict the effect of missense changes on protein structure and function are either unavailable or do not agree on the potential impact of this missense change (SIFT: "Deleterious"; PolyPhen-2: "Probably Damaging"; Align-GVGD: "Class C0"). This variant disrupts the p.Gly248 amino acid residue in NPC1. Other variant(s) that disrupt this residue have been observed in individuals with NPC1-related conditions (PMID: 11349231), which suggests that this may be a clinically significant amino acid residue. In summary, the available evidence is currently insufficient to determine the role of this variant in disease. Therefore, it has been classified as a Variant of Uncertain Significance.

Literature cited by the submitters: PubMed 11349231.